The following is an entry in ClinVar:

NM_000038.6(APC):c.3538A>C (p.Ser1180Arg)

Gene: APC (APC regulator of Wnt signaling pathway; plus strand). Cytogenetic location: 5q22.2.
Variant type: single nucleotide variant.
Coding change: c.3538A>C on transcript NM_000038.6 (MANE Select); coding-DNA position 3538, A replaced by C.
Protein change: p.Ser1180Arg; replaces serine 1180 with arginine.
Molecular consequence: missense variant. On other transcripts: non-coding transcript variant (2).
Genome position (GRCh38, 1-based): chr5:112,839,132, A>C. VCF-style: chr5-112839132-A-C. GRCh37 (hg19) VCF-style: chr5-112174829-A-C.
Other names: c.2689A>C, p.Ser897Arg (NM_001354906.2, NM_001407470.1); c.3622A>C, p.Ser1208Arg (NM_001407446.1); c.3592A>C, p.Ser1198Arg (NM_001407447.1, NM_001407448.1, NM_001407449.1 and 1 more transcripts); c.3538A>C, p.Ser1180Arg (NM_001407450.1, NM_001127510.3, NM_001354895.2); c.3517A>C, p.Ser1173Arg (NM_001407451.1); c.3508A>C, p.Ser1170Arg (NM_001407452.1); c.3361A>C, p.Ser1121Arg (NM_001407453.1, NM_001354901.2); c.3289A>C, p.Ser1097Arg (NM_001407454.1, NM_001407455.1, NM_001407456.1 and 1 more transcripts); and 11 more; short protein forms S1020R, S1051R, S1079R, S1089R, S1170R, S1173R, S1180R, S1198R.
Identifiers: ClinVar variation 2837979 (VCV002837979.3), dbSNP rs2149893936, ClinGen allele CA16029104.

ClinVar aggregate classification (germline): Uncertain significance (1 of 4 stars; one submission).

Conditions:
Familial adenomatous polyposis 1 (FAP1). Also called: POLYPOSIS, ADENOMATOUS INTESTINAL; FAMILIAL ADENOMATOUS POLYPOSIS 1, ATTENUATED. Identifiers: MedGen C2713442, MONDO:0021056, OMIM 175100. Disease mechanism: loss of function.

Submission:

Labcorp Genetics (formerly Invitae), Labcorp
Classification: Uncertain significance for Familial adenomatous polyposis 1. Last evaluated: 2023-02-16. Review status: criteria provided, single submitter. Criteria: Invitae Variant Classification Sherloc (09022015). Collection method: clinical testing. Allele origin: germline.
Comment: In summary, the available evidence is currently insufficient to determine the role of this variant in disease. Therefore, it has been classified as a Variant of Uncertain Significance. Advanced modeling of protein sequence and biophysical properties (such as structural, functional, and spatial information, amino acid conservation, physicochemical variation, residue mobility, and thermodynamic stability) has been performed at Invitae for this missense variant, however the output from this modeling did not meet the statistical confidence thresholds required to predict the impact of this variant on APC protein function. This variant has not been reported in the literature in individuals affected with APC-related conditions. This variant is not present in population databases (gnomAD no frequency). This sequence change replaces serine, which is neutral and polar, with arginine, which is basic and polar, at codon 1180 of the APC protein (p.Ser1180Arg).